The following is an entry in ClinVar:

NM_001370.2(DNAH6):c.12381A>C (p.Ser4127=)

Gene: DNAH6 (dynein axonemal heavy chain 6; plus strand). Cytogenetic location: 2p11.2.
Variant type: single nucleotide variant.
Coding change: c.12381A>C on transcript NM_001370.2 (MANE Select); coding-DNA position 12381, A replaced by C.
Protein change: p.Ser4127=; no amino-acid change (serine 4127 retained).
Molecular consequence: synonymous variant.
Genome position (GRCh38, 1-based): chr2:84,819,312, A>C. VCF-style: chr2-84819312-A-C. GRCh37 (hg19) VCF-style: chr2-85046436-A-C.
Identifiers: ClinVar variation 748179 (VCV000748179.27), dbSNP rs201871260, ClinGen allele CA1737894.

ClinVar aggregate classification (germline): Benign/Likely benign. Review status: criteria provided, multiple submitters, no conflicts (2 of 4 stars). 2 submissions from 2 submitters: Benign (1); Likely benign (1). Last evaluated 2022-10-01.

Allele frequency attached by ClinVar (database versions not stated): gnomAD exomes 0.00067 and 0.00185; gnomAD 0.00073 and 0.00076; TOPMed 0.00085; ESP Exome Variant Server 0.00219; ExAC 0.00295.
gnomAD v4.1: 1,142 of 1,548,998 alleles (0.074%); highest among the groups gnomAD compares: Non-Finnish European, 0.018%; 11 homozygotes.

Submissions (2):

CeGaT Center for Human Genetics Tuebingen
Classification: Likely benign. Last evaluated: 2022-10-01. Review status: criteria provided, single submitter. Criteria: CeGaT Center For Human Genetics Tuebingen Variant Classification Criteria Version 2. Collection method: clinical testing. Allele origin: germline. Affected: yes. Observed: 1 variant allele.
Comment: DNAH6: BP4, BP7

Labcorp Genetics (formerly Invitae), Labcorp
Classification: Benign. Last evaluated: 2018-07-09. Review status: criteria provided, single submitter. Criteria: Invitae Variant Classification Sherloc (09022015). Collection method: clinical testing. Allele origin: germline.